The following is an entry in ClinVar:

NM_007194.4(CHEK2):c.400_403del (p.Asp134fs)

Gene: CHEK2 (checkpoint kinase 2; minus strand). Cytogenetic location: 22q12.1.
Variant type: Deletion.
Coding change: c.400_403del on transcript NM_007194.4 (MANE Select); coding-DNA positions 400 to 403, 4 bases deleted (GATA; older notation c.400_403delGATA).
Protein change: p.Asp134fs; shifts the reading frame from aspartic acid 134.
Molecular consequence: frameshift variant.
Genome position (GRCh38, 1-based): chr22:28,725,284-28,725,287, TATC deleted on the plus strand (GATA on the coding strand, the reverse complement: CHEK2 is on the minus strand); deleting any 4 consecutive bases within chr22:28,725,284-28,725,288 gives the same sequence; the c. name uses the placement nearest the transcript's 3' end. VCF-style (leftmost placement, unchanged base first): chr22-28725283-TTATC-T. GRCh37 (hg19) VCF-style: chr22-29121271-TTATC-T.
Other names: c.528_531delAGAT, p.Asp177Asnfs (NM_001005735.3); c.-379_-376delAGAT (NM_001257387.3); c.399_402delAGAT, p.Asp134Asnfs (NM_001349956.3, NM_145862.3); short protein forms D134fs, D177fs.
Identifiers: ClinVar variation 1069084 (VCV001069084.8), dbSNP rs2146068388, ClinGen allele CA2499226100.

ClinVar aggregate classification (germline): Pathogenic (1 of 4 stars; one submission).

Conditions:
Familial cancer of breast. Also called: hereditary breast carcinoma; BREAST CANCER, FAMILIAL; Hereditary breast cancer. Identifiers: Orphanet 227535, MedGen C0346153, MONDO:0016419, OMIM 114480. Disease mechanism: loss of function.

Submission:

Labcorp Genetics (formerly Invitae), Labcorp
Classification: Pathogenic for Familial cancer of breast. Last evaluated: 2020-01-30. Review status: criteria provided, single submitter. Criteria: Invitae Variant Classification Sherloc (09022015). Collection method: clinical testing. Allele origin: germline.
Comment: For these reasons, this variant has been classified as Pathogenic. Loss-of-function variants in CHEK2 are known to be pathogenic (PMID: 21876083, 24713400). This variant has not been reported in the literature in individuals with CHEK2-related conditions. This variant is not present in population databases (ExAC no frequency). This sequence change creates a premature translational stop signal (p.Asp134Asnfs*26) in the CHEK2 gene. It is expected to result in an absent or disrupted protein product.

Literature cited by the submitters: PubMed 21876083; PubMed 24713400.